The following is an entry in ClinVar:

ClinVar aggregate classification (germline): Conflicting classifications of pathogenicity. Review status: criteria provided, conflicting classifications (1 of 4 stars). 3 submissions from 3 submitters: Uncertain significance (1); Likely benign (1). 1 of the submissions does not count toward it. Last evaluated 2024-11-25.

Conditions:
Retinal dystrophy. Also called: Inherited retinal dystrophy. Identifiers: Orphanet 71862, MedGen C0854723, MeSH D058499, MONDO:0019118, HP:0000556.

Allele frequency attached by ClinVar (database versions not stated): 1000 Genomes Project 30x 0.00031; gnomAD exomes 0.00083 and 0.00158; ExAC 0.00090; TOPMed 0.00116.
gnomAD v4.1: 2,123 of 1,436,112 alleles (0.15%); highest among the groups gnomAD compares: Non-Finnish European, 0.18%; 2 homozygotes.

Submissions (3):

Blueprint Genetics
Classification: Likely benign. Last evaluated: 2024-11-25. Review status: criteria provided, single submitter. Criteria: ACMG Guidelines, 2015. Collection method: clinical testing. Allele origin: germline.

Labcorp Genetics (formerly Invitae), Labcorp
Classification: Uncertain significance. Last evaluated: 2024-01-22. Review status: criteria provided, single submitter. Criteria: Invitae Variant Classification Sherloc (09022015). Collection method: clinical testing. Allele origin: germline.
Comment: This sequence change replaces glutamic acid, which is acidic and polar, with aspartic acid, which is acidic and polar, at codon 369 of the SAMD11 protein (p.Glu369Asp). This variant is present in population databases (rs564703450, gnomAD 0.2%), and has an allele count higher than expected for a pathogenic variant. This variant has not been reported in the literature in individuals affected with SAMD11-related conditions. ClinVar contains an entry for this variant (Variation ID: 859877). Algorithms developed to predict the effect of missense changes on protein structure and function output the following: SIFT: "Not Available"; PolyPhen-2: "Benign"; Align-GVGD: "Not Available". The aspartic acid amino acid residue is found in multiple mammalian species, which suggests that this missense change does not adversely affect protein function. In summary, the available evidence is currently insufficient to determine the role of this variant in disease. Therefore, it has been classified as a Variant of Uncertain Significance.

Institute of Human Genetics, Univ. Regensburg, Univ. Regensburg
Classification: Uncertain significance for Retinal dystrophy. Last evaluated: 2023-01-01. Review status: no assertion criteria provided. Criteria: ACMG Guidelines, 2015. Collection method: clinical testing. Allele origin: germline. Affected: yes. Not counted in ClinVar's aggregate classification.

NM_001385641.1(SAMD11):c.1596G>C (p.Glu532Asp)

Gene: SAMD11 (sterile alpha motif domain containing 11; plus strand). Cytogenetic location: 1p36.33.
Variant type: single nucleotide variant.
Coding change: c.1596G>C on transcript NM_001385641.1 (MANE Select); coding-DNA position 1596, G replaced by C.
Protein change: p.Glu532Asp; replaces glutamic acid 532 with aspartic acid.
Molecular consequence: missense variant.
Genome position (GRCh38, 1-based): chr1:942,601, G>C. VCF-style: chr1-942601-G-C. GRCh37 (hg19) VCF-style: chr1-877981-G-C.
Other names: c.1599G>C, p.Glu533Asp (NM_001385640.1); c.1107G>C, p.Glu369Asp (NM_152486.4); short protein forms E369D, E532D, E533D.
Identifiers: ClinVar variation 859877 (VCV000859877.8), dbSNP rs564703450, ClinGen allele CA502974.